The following is an entry in ClinVar:

NM_001372.4(DNAH9):c.10616G>T (p.Gly3539Val)

Genes: DNAH9 (dynein axonemal heavy chain 9; plus strand), LOC101928350 (uncharacterized LOC101928350; minus strand). Cytogenetic location: 17p12.
Variant type: single nucleotide variant.
Coding change: c.10616G>T on transcript NM_001372.4 (MANE Select); coding-DNA position 10616, G replaced by T.
Protein change: p.Gly3539Val; replaces glycine 3539 with valine.
Molecular consequence: missense variant.
Genome position (GRCh38, 1-based): chr17:11,881,223, G>T. VCF-style: chr17-11881223-G-T. GRCh37 (hg19) VCF-style: chr17-11784540-G-T.
Other names: short protein forms G3539V.
Identifiers: ClinVar variation 2119076 (VCV002119076.4), dbSNP rs1401765716, ClinGen allele CA398198114.

ClinVar aggregate classification (germline): Uncertain significance (1 of 4 stars; one submission).

Allele frequency attached by ClinVar (database versions not stated): TOPMed below 0.00001.
gnomAD v4.1: 2 of 1,614,162 alleles (0.00012%); highest among the groups gnomAD compares: African/African-American, 0.0027%; no homozygotes.

Submission:

Labcorp Genetics (formerly Invitae), Labcorp
Classification: Uncertain significance. Last evaluated: 2023-08-17. Review status: criteria provided, single submitter. Criteria: Invitae Variant Classification Sherloc (09022015). Collection method: clinical testing. Allele origin: germline.
Comment: In summary, the available evidence is currently insufficient to determine the role of this variant in disease. Therefore, it has been classified as a Variant of Uncertain Significance. Advanced modeling of protein sequence and biophysical properties (such as structural, functional, and spatial information, amino acid conservation, physicochemical variation, residue mobility, and thermodynamic stability) performed at Invitae indicates that this missense variant is expected to disrupt DNAH9 protein function. ClinVar contains an entry for this variant (Variation ID: 2119076). This variant has not been reported in the literature in individuals affected with DNAH9-related conditions. This variant is present in population databases (no rsID available, gnomAD 0.007%). This sequence change replaces glycine, which is neutral and non-polar, with valine, which is neutral and non-polar, at codon 3539 of the DNAH9 protein (p.Gly3539Val).